The following is an entry in ClinVar:

NM_152564.5(VPS13B):c.7429+6C>T

Gene: VPS13B (vacuolar protein sorting 13 homolog B; plus strand). Cytogenetic location: 8q22.2.
Variant type: single nucleotide variant.
Coding change: c.7429+6C>T on transcript NM_152564.5 (MANE Select); 6 bases into the intron after coding-DNA position 7429, C replaced by T.
Molecular consequence: intron variant.
Genome position (GRCh38, 1-based): chr8:99,776,962, C>T. VCF-style: chr8-99776962-C-T. GRCh37 (hg19) VCF-style: chr8-100789190-C-T.
Other names: c.7504+6C>T (NM_017890.5).
Identifiers: ClinVar variation 1058548 (VCV001058548.4), dbSNP rs1563912462, ClinGen allele CA583884514.

ClinVar aggregate classification (germline): Uncertain significance (1 of 4 stars; one submission).

Conditions:
Cohen syndrome (COH1). Also called: PEPPER SYNDROME; Cutis verticis gyrata, retinitis pigmentosa, and sensorineural deafness. Identifiers: Orphanet 193, MedGen C0265223, MONDO:0008999, OMIM 216550.

Allele frequency attached by ClinVar (database versions not stated): gnomAD exomes below 0.00001; TOPMed below 0.00001.
gnomAD v4.1: 3 of 1,611,924 alleles (0.00019%); highest among the groups gnomAD compares: Admixed American, 0.0017%; no homozygotes.

Submission:

Labcorp Genetics (formerly Invitae), Labcorp
Classification: Uncertain significance for Cohen syndrome. Last evaluated: 2020-10-03. Review status: criteria provided, single submitter. Criteria: Invitae Variant Classification Sherloc (09022015). Collection method: clinical testing. Allele origin: germline.
Comment: This sequence change falls in intron 41 of the VPS13B gene. It does not directly change the encoded amino acid sequence of the VPS13B protein, but it affects a nucleotide within the consensus splice site of the intron. This variant is not present in population databases (ExAC no frequency). This variant has not been reported in the literature in individuals with VPS13B-related conditions. Nucleotide substitutions within the consensus splice site are a relatively common cause of aberrant splicing (PMID: 17576681, 9536098). Algorithms developed to predict the effect of sequence changes on RNA splicing suggest that this variant is not likely to affect RNA splicing, but this prediction has not been confirmed by published transcriptional studies. In summary, the available evidence is currently insufficient to determine the role of this variant in disease. Therefore, it has been classified as a Variant of Uncertain Significance.

Literature cited by the submitters: PubMed 17576681; PubMed 9536098.